The following is an entry in ClinVar:

NM_006204.4(PDE6C):c.791C>A (p.Ala264Glu)

Gene: PDE6C (phosphodiesterase 6C; plus strand). Cytogenetic location: 10q23.33.
Variant type: single nucleotide variant.
Coding change: c.791C>A on transcript NM_006204.4 (MANE Select); coding-DNA position 791, C replaced by A.
Protein change: p.Ala264Glu; replaces alanine 264 with glutamic acid.
Molecular consequence: missense variant.
Genome position (GRCh38, 1-based): chr10:93,621,999, C>A. VCF-style: chr10-93621999-C-A. GRCh37 (hg19) VCF-style: chr10-95381756-C-A.
Other names: short protein forms A264E.
Identifiers: ClinVar variation 1378199 (VCV001378199.6), dbSNP rs143673530, ClinGen allele CA377628552.
Genomic context (GRCh38, chr10:93,621,999, plus strand): 5'-TGTGGTCAGCCAATAAAGTATTTGAAGAACTCACAGATGTTGAGCGACAGTTTCACAAAG[C>A]GCTCTACACGGTTAGATCATATCTGAACTGTGAACGATACTCCATTGGACTGCTGGACAT-3'
Protein context (NP_006195.3, residues 254-274): LTDVERQFHK[Ala264Glu]LYTVRSYLNC

ClinVar aggregate classification (germline): Uncertain significance (1 of 4 stars; one submission).

Submission:

Labcorp Genetics (formerly Invitae), Labcorp
Classification: Uncertain significance. Last evaluated: 2025-04-28. Review status: criteria provided, single submitter. Criteria: Invitae Variant Classification Sherloc (09022015). Collection method: clinical testing. Allele origin: germline.
Comment: This sequence change replaces alanine, which is neutral and non-polar, with glutamic acid, which is acidic and polar, at codon 264 of the PDE6C protein (p.Ala264Glu). This variant is not present in population databases (gnomAD no frequency). This missense change has been observed in individual(s) with achromatopsia (internal data). ClinVar contains an entry for this variant (Variation ID: 1378199). Invitae Evidence Modeling of protein sequence and biophysical properties (such as structural, functional, and spatial information, amino acid conservation, physicochemical variation, residue mobility, and thermodynamic stability) indicates that this missense variant is expected to disrupt PDE6C protein function with a positive predictive value of 95%. In summary, the available evidence is currently insufficient to determine the role of this variant in disease. Therefore, it has been classified as a Variant of Uncertain Significance.